The following is an entry in ClinVar:

NM_001042472.3(ABHD12):c.951-9_951-6del

Gene: ABHD12 (abhydrolase domain containing 12, lysophospholipase; minus strand). Cytogenetic location: 20p11.21.
Variant type: Microsatellite.
Coding change: c.951-9_951-6del on transcript NM_001042472.3 (MANE Select); 9 bases into the intron before coding-DNA position 951 through 6 bases into the intron before coding-DNA position 951, 4 bases deleted (CTCC; older notation c.951-9_951-6delCTCC).
Molecular consequence: intron variant.
Genome position (GRCh38, 1-based): chr20:25,303,634-25,303,637, GGAG deleted on the plus strand (CTCC on the coding strand, the reverse complement: ABHD12 is on the minus strand); deleting any 4 consecutive bases within chr20:25,303,634-25,303,641 gives the same sequence; the c. name uses the placement nearest the transcript's 3' end. VCF-style (leftmost placement, unchanged base first): chr20-25303633-AGGAG-A. GRCh37 (hg19) VCF-style: chr20-25284269-AGGAG-A.
Other names: c.951-9_951-6del (NM_015600.5); c.951-9_951-6delCTCC (NM_001042472.3).
Identifiers: ClinVar variation 669279 (VCV000669279.5), dbSNP rs772862920, ClinGen allele CA9795922.

ClinVar aggregate classification (germline): Conflicting classifications of pathogenicity. Review status: criteria provided, conflicting classifications (1 of 4 stars). 3 submissions from 3 submitters: Uncertain significance (1); Likely benign (2). Last evaluated 2026-02-17.

Submissions (3):

Women's Health and Genetics/Laboratory Corporation of America, LabCorp
Classification: Likely benign. Last evaluated: 2026-02-17. Review status: criteria provided, single submitter. Criteria: LabCorp Variant Classification Summary - May 2015. Collection method: clinical testing. Allele origin: germline.
Comment: Variant summary: ABHD12 c.951-9_951-6delCTCC alters a nucleotide located at a position not widely known to affect splicing. Consensus agreement among computation tools predict no significant impact on normal splicing. However, these predictions have yet to be confirmed by functional studies. The variant allele was found at a frequency of 1.6e-05 in 249748 control chromosomes. The available data on variant occurrences in the general population are insufficient to allow any conclusion about variant significance. To our knowledge, no occurrence of c.951-9_951-6delCTCC in individuals affected with ABHD12-related conditions and no experimental evidence demonstrating its impact on protein function have been reported. ClinVar contains an entry for this variant (Variation ID: 669279). Based on the evidence outlined above, the variant was classified as likely benign.

Labcorp Genetics (formerly Invitae), Labcorp
Classification: Uncertain significance. Last evaluated: 2022-09-01. Review status: criteria provided, single submitter. Criteria: Invitae Variant Classification Sherloc (09022015). Collection method: clinical testing. Allele origin: germline.
Comment: This sequence change falls in intron 10 of the ABHD12 gene. It does not directly change the encoded amino acid sequence of the ABHD12 protein. This variant is present in population databases (rs772862920, gnomAD 0.02%). This variant has not been reported in the literature in individuals affected with ABHD12-related conditions. ClinVar contains an entry for this variant (Variation ID: 669279). Algorithms developed to predict the effect of sequence changes on RNA splicing suggest that this variant may disrupt the consensus splice site. In summary, the available evidence is currently insufficient to determine the role of this variant in disease. Therefore, it has been classified as a Variant of Uncertain Significance.

GeneDx
Classification: Likely benign. Last evaluated: 2018-06-14. Review status: criteria provided, single submitter. Criteria: GeneDx Variant Classification (06012015). Collection method: clinical testing. Allele origin: germline. Affected: yes.
Comment: This variant is considered likely benign or benign based on one or more of the following criteria: it is a conservative change, it occurs at a poorly conserved position in the protein, it is predicted to be benign by multiple in silico algorithms, and/or has population frequency not consistent with disease.